The following is an entry in ClinVar:

ClinVar aggregate classification (germline): Uncertain significance. Review status: criteria provided, multiple submitters, no conflicts (2 of 4 stars). 3 submissions from 3 submitters: Uncertain significance (3). Last evaluated 2026-03-16.

Conditions:
EGFR-related lung cancer (EGFR). Identifiers: MedGen CN130014.
Hereditary cancer-predisposing syndrome. Also called: Hereditary neoplastic syndrome; Neoplastic Syndromes, Hereditary; Tumor predisposition; Hereditary Cancer Syndrome. Identifiers: Orphanet 140162, MedGen C0027672, MeSH D009386, MONDO:0015356.

Submissions (3):

Ambry Genetics
Classification: Uncertain significance for Hereditary cancer-predisposing syndrome. Last evaluated: 2026-03-16. Review status: criteria provided, single submitter. Criteria: Ambry Variant Classification Scheme 2023. Collection method: clinical testing. Allele origin: germline.
Comment: The p.H1124P variant (also known as c.3371A>C), located in coding exon 28 of the EGFR gene, results from an A to C substitution at nucleotide position 3371. The histidine at codon 1124 is replaced by proline, an amino acid with similar properties. This amino acid position is conserved. In addition, this alteration is predicted to be tolerated by in silico analysis. Based on the available evidence, the clinical significance of this variant remains unclear.

Labcorp Genetics (formerly Invitae), Labcorp
Classification: Uncertain significance for EGFR-related lung cancer. Last evaluated: 2025-07-07. Review status: criteria provided, single submitter. Criteria: Invitae Variant Classification Sherloc (09022015). Collection method: clinical testing. Allele origin: germline.
Comment: This sequence change replaces histidine, which is basic and polar, with proline, which is neutral and non-polar, at codon 1124 of the EGFR protein (p.His1124Pro). This variant is not present in population databases (gnomAD no frequency). This variant has not been reported in the literature in individuals affected with EGFR-related conditions. ClinVar contains an entry for this variant (Variation ID: 2978805). An algorithm developed to predict the effect of missense changes on protein structure and function (PolyPhen-2) suggests that this variant is likely to be tolerated. In summary, the available evidence is currently insufficient to determine the role of this variant in disease. Therefore, it has been classified as a Variant of Uncertain Significance.

Revvity Omics, Revvity
Classification: Uncertain significance. Last evaluated: 2024-05-23. Review status: criteria provided, single submitter. Criteria: ACMG Guidelines, 2015. Collection method: clinical testing. Allele origin: germline.

NM_005228.5(EGFR):c.3371A>C (p.His1124Pro)

Gene: EGFR (epidermal growth factor receptor; plus strand). Cytogenetic location: 7p11.2.
Variant type: single nucleotide variant.
Coding change: c.3371A>C on transcript NM_005228.5 (MANE Select); coding-DNA position 3371, A replaced by C.
Protein change: p.His1124Pro; replaces histidine 1124 with proline.
Molecular consequence: missense variant.
Genome position (GRCh38, 1-based): chr7:55,205,355, A>C. VCF-style: chr7-55205355-A-C. GRCh37 (hg19) VCF-style: chr7-55273048-A-C.
Other names: c.3236A>C, p.His1079Pro (NM_001346899.2); c.3212A>C, p.His1071Pro (NM_001346900.2); c.2570A>C, p.His857Pro (NM_001346941.2); short protein forms H857P, H1124P, H1071P, H1079P.
Identifiers: ClinVar variation 2978805 (VCV002978805.5), dbSNP rs1788066890, ClinGen allele CA367584469.
Genomic context (GRCh38, chr7:55,205,355, plus strand): 5'-CTGTGCAGAATCCTGTCTATCACAATCAGCCTCTGAACCCCGCGCCCAGCAGAGACCCAC[A>C]CTACCAGGACCCCCACAGCACTGCAGTGGGCAACCCCGAGTATCTCAACACTGTCCAGCC-3'
Protein context (NP_005219.2, residues 1114-1134): PLNPAPSRDP[His1124Pro]YQDPHSTAVG